The following is an entry in ClinVar:

NM_001347721.2(DYRK1A):c.1484C>T (p.Ser495Phe)

Gene: DYRK1A (dual specificity tyrosine phosphorylation regulated kinase 1A; plus strand). Cytogenetic location: 21q22.13.
Variant type: single nucleotide variant.
Coding change: c.1484C>T on transcript NM_001347721.2 (MANE Select); coding-DNA position 1484, C replaced by T.
Protein change: p.Ser495Phe; replaces serine 495 with phenylalanine.
Molecular consequence: missense variant.
Genome position (GRCh38, 1-based): chr21:37,505,554, C>T. VCF-style: chr21-37505554-C-T. GRCh37 (hg19) VCF-style: chr21-38877857-C-T.
Other names: c.1484C>T, p.Ser495Phe (NM_001347722.2, NM_130436.2); c.1397C>T, p.Ser466Phe (NM_001347723.2); c.1511C>T, p.Ser504Phe (NM_001396.5, NM_101395.2, NM_130438.2); short protein forms S466F, S495F, S504F.
Identifiers: ClinVar variation 1348665 (VCV001348665.8), dbSNP rs2148650261, ClinGen allele CA409938703.

ClinVar aggregate classification (germline): Uncertain significance (1 of 4 stars; one submission).

Conditions:
DYRK1A-related intellectual disability syndrome (MRD7). Also called: DYRK1A Syndrome; Intellectual developmental disorder, autosomal dominant 7. Identifiers: Orphanet 464306, MedGen C5568143, MONDO:0013578, OMIM 614104.

Submission:

Labcorp Genetics (formerly Invitae), Labcorp
Classification: Uncertain significance for DYRK1A-related intellectual disability syndrome. Last evaluated: 2024-11-11. Review status: criteria provided, single submitter. Criteria: Invitae Variant Classification Sherloc (09022015). Collection method: clinical testing. Allele origin: germline.
Comment: This sequence change replaces serine, which is neutral and polar, with phenylalanine, which is neutral and non-polar, at codon 504 of the DYRK1A protein (p.Ser504Phe). This variant is not present in population databases (gnomAD no frequency). This variant has not been reported in the literature in individuals affected with DYRK1A-related conditions. ClinVar contains an entry for this variant (Variation ID: 1348665). Invitae Evidence Modeling of protein sequence and biophysical properties (such as structural, functional, and spatial information, amino acid conservation, physicochemical variation, residue mobility, and thermodynamic stability) indicates that this missense variant is not expected to disrupt DYRK1A protein function with a negative predictive value of 95%. In summary, the available evidence is currently insufficient to determine the role of this variant in disease. Therefore, it has been classified as a Variant of Uncertain Significance.